The following is an entry in ClinVar:

ClinVar aggregate classification (germline): Uncertain significance. Review status: criteria provided, multiple submitters, no conflicts (2 of 4 stars). 2 submissions from 2 submitters: Uncertain significance (2). Last evaluated 2026-05-14.

Conditions:
Hereditary cancer-predisposing syndrome. Also called: Hereditary Cancer Syndrome; Neoplastic Syndromes, Hereditary; Tumor predisposition; Hereditary neoplastic syndrome. Identifiers: Orphanet 140162, MedGen C0027672, MeSH D009386, MONDO:0015356.
Mitochondrial complex II deficiency, nuclear type 1. Also called: SUCCINATE CoQ REDUCTASE DEFICIENCY. Identifiers: Orphanet 3208, MedGen C5700310, MONDO:0100294, OMIM 252011.
Pheochromocytoma/paraganglioma syndrome 5. Also called: Paragangliomas 5; SDHA-Related Hereditary Paraganglioma-Pheochromocytoma Syndrome. Identifiers: Orphanet 29072, MedGen C3279992, MONDO:0013602, OMIM 614165.

Submissions (2):

Ambry Genetics
Classification: Uncertain significance for Hereditary cancer-predisposing syndrome. Last evaluated: 2026-05-14. Review status: criteria provided, single submitter. Criteria: Ambry Variant Classification Scheme 2023. Collection method: clinical testing. Allele origin: germline.
Comment: The p.P609S variant (also known as c.1825C>T), located in coding exon 14 of the SDHA gene, results from a C to T substitution at nucleotide position 1825. The proline at codon 609 is replaced by serine, an amino acid with similar properties. This amino acid position is conserved. In addition, the in silico prediction for this alteration is inconclusive. Based on the available evidence, the clinical significance of this variant remains unclear.

Labcorp Genetics (formerly Invitae), Labcorp
Classification: Uncertain significance for Pheochromocytoma/paraganglioma syndrome 5; Mitochondrial complex II deficiency, nuclear type 1. Last evaluated: 2020-01-21. Review status: criteria provided, single submitter. Criteria: Invitae Variant Classification Sherloc (09022015). Collection method: clinical testing. Allele origin: germline.
Comment: This sequence change replaces proline with serine at codon 609 of the SDHA protein (p.Pro609Ser). The proline residue is highly conserved and there is a moderate physicochemical difference between proline and serine. This variant is not present in population databases (ExAC no frequency). This variant has not been reported in the literature in individuals with SDHA-related conditions. Algorithms developed to predict the effect of missense changes on protein structure and function are either unavailable or do not agree on the potential impact of this missense change (SIFT: "Deleterious"; PolyPhen-2: "Benign"; Align-GVGD: "Class C0"). In summary, the available evidence is currently insufficient to determine the role of this variant in disease. Therefore, it has been classified as a Variant of Uncertain Significance.

NM_004168.4(SDHA):c.1825C>T (p.Pro609Ser)

Gene: SDHA (succinate dehydrogenase complex flavoprotein subunit A; plus strand). Cytogenetic location: 5p15.33.
Variant type: single nucleotide variant.
Coding change: c.1825C>T on transcript NM_004168.4 (MANE Select); coding-DNA position 1825, C replaced by T.
Protein change: p.Pro609Ser; replaces proline 609 with serine.
Molecular consequence: missense variant.
Genome position (GRCh38, 1-based): chr5:254,423, C>T. VCF-style: chr5-254423-C-T. GRCh37 (hg19) VCF-style: chr5-254538-C-T.
Other names: c.1681C>T, p.Pro561Ser (NM_001294332.2); c.1582C>T, p.Pro528Ser (NM_001330758.2); c.1825C>T (NM_004168.2); short protein forms P528S, P609S, P561S.
Identifiers: ClinVar variation 961963 (VCV000961963.11), dbSNP rs1737046014, ClinGen allele CA359001797.
Genomic context (GRCh38, chr5:254,423, plus strand): 5'-TAAGAAACGTGATGGTGTTTCTGGCCTCAGGTGCGGATTGATGAGTACGATTACTCCAAG[C>T]CCATCCAGGGGCAACAGAAGAAGCCCTTTGAGGAGCACTGGAGGAAGCACACCCTGTCCT-3'
Protein context (NP_004159.2, residues 599-619): VRIDEYDYSK[Pro609Ser]IQGQQKKPFE